The following is an entry in ClinVar:

NM_001298.3(CNGA3):c.906G>T (p.Arg302Ser)

Gene: CNGA3 (cyclic nucleotide gated channel subunit alpha 3; plus strand). Cytogenetic location: 2q11.2.
Variant type: single nucleotide variant.
Coding change: c.906G>T on transcript NM_001298.3 (MANE Select); coding-DNA position 906, G replaced by T.
Protein change: p.Arg302Ser; replaces arginine 302 with serine.
Molecular consequence: missense variant.
Genome position (GRCh38, 1-based): chr2:98,396,076, G>T. VCF-style: chr2-98396076-G-T. GRCh37 (hg19) VCF-style: chr2-99012539-G-T.
Other names: c.852G>T, p.Arg284Ser (NM_001079878.2); short protein forms R302S, R284S.
Identifiers: ClinVar variation 813042 (VCV000813042.10), dbSNP rs749853484, ClinGen allele CA1793918.

ClinVar aggregate classification (germline): Conflicting classifications of pathogenicity. Review status: criteria provided, conflicting classifications (1 of 4 stars). 2 submissions from 2 submitters: Pathogenic (1); Uncertain significance (1). Last evaluated 2020-02-18.

Conditions:
Cone dystrophy. Identifiers: Orphanet 1871, MedGen C0730290, MONDO:0000455.

Allele frequency attached by ClinVar (database versions not stated): gnomAD exomes below 0.00001; ExAC 0.00001.

Submissions (2):

Labcorp Genetics (formerly Invitae), Labcorp
Classification: Uncertain significance. Last evaluated: 2020-02-18. Review status: criteria provided, single submitter. Criteria: Invitae Variant Classification Sherloc (09022015). Collection method: clinical testing. Allele origin: germline.
Comment: This sequence change replaces arginine with serine at codon 302 of the CNGA3 protein (p.Arg302Ser). The arginine residue is highly conserved and there is a moderate physicochemical difference between arginine and serine. This variant is present in population databases (rs749853484, ExAC 0.001%). This variant has not been reported in the literature in individuals with CNGA3-related conditions. Algorithms developed to predict the effect of missense changes on protein structure and function (SIFT, PolyPhen-2, Align-GVGD) all suggest that this variant is likely to be disruptive, but these predictions have not been confirmed by published functional studies and their clinical significance is uncertain. In summary, the available evidence is currently insufficient to determine the role of this variant in disease. Therefore, it has been classified as a Variant of Uncertain Significance.

Molecular Genetics Laboratory, Institute for Ophthalmic Research
Classification: Pathogenic for Cone/cone-rod dystrophy. Last evaluated: 2020-01-09. Review status: criteria provided, single submitter. Criteria: ACMG Guidelines, 2015. Collection method: research. Allele origin: germline. Affected: yes.